The following is an entry in ClinVar:

NM_001077365.2(POMT1):c.928G>A (p.Val310Ile)

Gene: POMT1 (protein O-mannosyltransferase 1; plus strand). Cytogenetic location: 9q34.13.
Variant type: single nucleotide variant.
Coding change: c.928G>A on transcript NM_001077365.2 (MANE Select); coding-DNA position 928, G replaced by A.
Protein change: p.Val310Ile; replaces valine 310 with isoleucine.
Molecular consequence: missense variant. On other transcripts: non-coding transcript variant (10).
Genome position (GRCh38, 1-based): chr9:131,511,409, G>A. VCF-style: chr9-131511409-G-A. GRCh37 (hg19) VCF-style: chr9-134386796-G-A.
Other names: c.766G>A, p.Val256Ile (NM_001077366.2, NM_001353194.2, NM_001374693.1); c.928G>A, p.Val310Ile (NM_001136113.2, NM_001374690.1); c.577G>A, p.Val193Ile (NM_001136114.2, NM_001353195.2, NM_001374691.1 and 1 more transcripts); c.994G>A, p.Val332Ile (NM_001353193.2, NM_007171.4); c.838G>A, p.Val280Ile (NM_001353196.2); c.832G>A, p.Val278Ile (NM_001353197.2, NM_001353198.2); c.643G>A, p.Val215Ile (NM_001353199.2); c.472G>A, p.Val158Ile (NM_001353200.2); and 2 more; short protein forms V332I, V158I, V310I, V193I, V215I, V256I, V280I, V278I.
Identifiers: ClinVar variation 497676 (VCV000497676.21), dbSNP rs190112934, ClinGen allele CA5293478.

ClinVar aggregate classification (germline): Uncertain significance. Review status: criteria provided, multiple submitters, no conflicts (2 of 4 stars). 7 submissions from 7 submitters: Uncertain significance (7). Last evaluated 2025-04-29.

Conditions:
Autosomal recessive limb-girdle muscular dystrophy type 2K. Also called: MUSCULAR DYSTROPHY-DYSTROGLYCANOPATHY (LIMB-GIRDLE), TYPE C, 1; MUSCULAR DYSTROPHY, LIMB-GIRDLE, TYPE 2K. Identifiers: Orphanet 86812, MedGen C1836373, MONDO:0012248, OMIM 609308.
Muscular dystrophy-dystroglycanopathy (congenital with impaired intellectual development), type B, 1. Also called: Muscular dystrophy-dystroglycanopathy (congenital with intellectual disability), type B1; MUSCULAR DYSTROPHY, CONGENITAL, POMT1-RELATED. Identifiers: MedGen C5436962, MONDO:0013159, OMIM 613155.
Walker-Warburg congenital muscular dystrophy. Also called: Muscular dystrophy-dystroglycanopathy, type A; Walker-Warburg syndrome. Identifiers: Orphanet 899, MedGen C0265221, MONDO:0000171.
Inborn genetic diseases. Identifiers: MedGen C0950123, MeSH D030342.

Allele frequency attached by ClinVar (database versions not stated): 1000 Genomes Project 0.00020; ExAC 0.00006; gnomAD 0.00014 and 0.00012; 1000 Genomes Project 30x 0.00031; gnomAD exomes 0.00004 and 0.00005; ESP Exome Variant Server 0.00008; TOPMed 0.00012.

Submissions (7):

GeneDx
Classification: Uncertain significance. Last evaluated: 2025-04-29. Review status: criteria provided, single submitter. Criteria: GeneDx Variant Classification Process June 2021. Collection method: clinical testing. Allele origin: germline. Affected: yes.
Comment: In silico analysis indicates that this missense variant does not alter protein structure/function; Has not been previously published as pathogenic or benign to our knowledge; This variant is associated with the following publications: (PMID: 30564623)

Ambry Genetics
Classification: Uncertain significance for Inborn genetic diseases. Last evaluated: 2024-06-17. Review status: criteria provided, single submitter. Criteria: Ambry Variant Classification Scheme 2023. Collection method: clinical testing. Allele origin: germline.

Labcorp Genetics (formerly Invitae), Labcorp
Classification: Uncertain significance for Muscular dystrophy-dystroglycanopathy (congenital with impaired intellectual development), type B, 1; Walker-Warburg congenital muscular dystrophy; Autosomal recessive limb-girdle muscular dystrophy type 2K. Last evaluated: 2022-06-20. Review status: criteria provided, single submitter. Criteria: Invitae Variant Classification Sherloc (09022015). Collection method: clinical testing. Allele origin: germline.
Comment: This sequence change replaces valine, which is neutral and non-polar, with isoleucine, which is neutral and non-polar, at codon 332 of the POMT1 protein (p.Val332Ile). This variant is present in population databases (rs190112934, gnomAD 0.04%). This variant has not been reported in the literature in individuals affected with POMT1-related conditions. ClinVar contains an entry for this variant (Variation ID: 497676). Algorithms developed to predict the effect of missense changes on protein structure and function output the following: SIFT: "Tolerated"; PolyPhen-2: "Benign"; Align-GVGD: "Class C0". The isoleucine amino acid residue is found in multiple mammalian species, which suggests that this missense change does not adversely affect protein function. In summary, the available evidence is currently insufficient to determine the role of this variant in disease. Therefore, it has been classified as a Variant of Uncertain Significance.

Revvity Omics, Revvity
Classification: Uncertain significance. Last evaluated: 2020-04-03. Review status: criteria provided, single submitter. Criteria: ACMG Guidelines, 2015. Collection method: clinical testing. Allele origin: germline.

Illumina Laboratory Services, Illumina
Classification: Uncertain significance for Autosomal recessive limb-girdle muscular dystrophy type 2K. Last evaluated: 2018-01-13. Review status: criteria provided, single submitter. Criteria: ICSL Variant Classification Criteria 13 December 2019. Collection method: clinical testing. Allele origin: germline.

Eurofins Ntd Llc (ga)
Classification: Uncertain significance. Last evaluated: 2016-10-10. Review status: criteria provided, single submitter. Criteria: EGL Classification Definitions 2015. Collection method: clinical testing. Allele origin: germline. Observed: 1 variant allele, 1 heterozygote.

Breakthrough Genomics
Classification: Uncertain significance. Review status: criteria provided, single submitter. Criteria: ACMG Guidelines, 2015. Collection method: not provided. Allele origin: germline. Inheritance: Autosomal recessive inheritance. Affected: yes.